The following is an entry in ClinVar:

ClinVar aggregate classification (germline): Likely benign. Review status: criteria provided, multiple submitters, no conflicts (2 of 4 stars). 5 submissions from 5 submitters: Likely benign (4). 1 of the submissions does not count toward it. Last evaluated 2026-01-28.

Conditions:
CFAP410-related disorder. Also called: CFAP410-related condition.

Allele frequency attached by ClinVar (database versions not stated): 1000 Genomes Project 0.00100; 1000 Genomes Project 30x 0.00141.
gnomAD v4.1: 440 of 1,466,748 alleles (0.03%); highest among the groups gnomAD compares: African/African-American, 0.56%; 1 homozygote.

Submissions (5):

Labcorp Genetics (formerly Invitae), Labcorp
Classification: Likely benign. Last evaluated: 2026-01-28. Review status: criteria provided, single submitter. Criteria: Invitae Variant Classification Sherloc (09022015). Collection method: clinical testing. Allele origin: germline.

Blueprint Genetics
Classification: Likely benign. Last evaluated: 2024-11-08. Review status: criteria provided, single submitter. Criteria: ACMG Guidelines, 2015. Collection method: clinical testing. Allele origin: germline.

CeGaT Center for Human Genetics Tuebingen
Classification: Likely benign. Last evaluated: 2023-12-01. Review status: criteria provided, single submitter. Criteria: CeGaT Center For Human Genetics Tuebingen Variant Classification Criteria Version 2. Collection method: clinical testing. Allele origin: germline. Affected: yes. Observed: 1 variant allele.
Comment: CFAP410: BP4, BP7

Breakthrough Genomics
Classification: Likely benign. Review status: criteria provided, single submitter. Criteria: ACMG Guidelines, 2015. Collection method: not provided. Allele origin: germline. Inheritance: Autosomal recessive inheritance. Affected: yes.

PreventionGenetics, part of Exact Sciences
Classification: Likely benign for CFAP410-related condition. Last evaluated: 2020-01-09. Review status: no assertion criteria provided. Collection method: clinical testing. Allele origin: germline. Not counted in ClinVar's aggregate classification.
Comment: This variant is classified as likely benign based on ACMG/AMP sequence variant interpretation guidelines (Richards et al. 2015 PMID: 25741868, with internal and published modifications).

NM_004928.3(CFAP410):c.9G>C (p.Leu3=)

Genes: CFAP410 (cilia and flagella associated protein 410; minus strand), LOC130066823 (ATAC-STARR-seq lymphoblastoid silent region 13383; plus strand). Cytogenetic location: 21q22.3.
Variant type: single nucleotide variant.
Coding change: c.9G>C on transcript NM_004928.3 (MANE Select); coding-DNA position 9, G replaced by C.
Protein change: p.Leu3=; no amino-acid change (leucine 3 retained).
Molecular consequence: synonymous variant.
Genome position (GRCh38, 1-based): chr21:44,339,186, C>G on the plus strand (G>C on the coding strand, the complement: CFAP410 is on the minus strand). VCF-style: chr21-44339186-C-G. GRCh37 (hg19) VCF-style: chr21-45759069-C-G.
Other names: c.9G>C, p.Leu3= (NM_001271440.2, NM_001271441.2); c.9G>C (NM_004928.2).
Identifiers: ClinVar variation 1160406 (VCV001160406.33), dbSNP rs367740530, ClinGen allele CA10053924.
Genomic context (GRCh38, chr21:44,339,186, plus strand): 5'-GAGCTTGCGCACGCTGTGCAGCTCCGAGGCCTTGGCCCGGGTCAGAACCATCTTCCGCGT[C>G]AGCTTCATGGCGGCCGCCCAGGCCCGACCGGCGGGCGCCCCCGGCCTCCTGATCCCGGGC-3'
Protein context (NP_004919.1, residues 1-13): MK[Leu3=]TRKMVLTRAK